The following is an entry in ClinVar:

NM_006642.5(SDCCAG8):c.170dup (p.Asn58fs)

Gene: SDCCAG8 (SHH signaling and ciliogenesis regulator SDCCAG8; plus strand). Cytogenetic location: 1q43.
Variant type: Duplication.
Coding change: c.170dup on transcript NM_006642.5 (MANE Select); coding-DNA position 170, one base duplicated (G; older notation c.170dupG).
Protein change: p.Asn58fs; shifts the reading frame from asparagine 58.
Molecular consequence: frameshift variant. On other transcripts: 5 prime UTR variant (4).
Genome position (GRCh38, 1-based): chr1:243,270,207, G duplicated; the last of 3 consecutive G bases (chr1:243,270,205-243,270,207); duplicating any one gives the same sequence. VCF-style (leftmost placement, unchanged base first): chr1-243270204-T-TG. GRCh37 (hg19) VCF-style: chr1-243433506-T-TG.
Other names: c.-943dup (NM_001350246.2); c.-831dup (NM_001350247.2); c.170dup, p.Asn58fs (NM_001350248.2); c.-125dup (NM_001350249.2); c.-1204dup (NM_001350251.2); short protein forms N58fs.
Identifiers: ClinVar variation 4786194 (VCV004786194.1).

ClinVar aggregate classification (germline): Pathogenic (1 of 4 stars; one submission).

Conditions:
Senior-Loken syndrome 7 (SLSN7). Identifiers: Orphanet 3156, MedGen C3150877, MONDO:0013326, OMIM 613615.
Bardet-Biedl syndrome 16 (BBS16). Identifiers: Orphanet 110, MedGen C3889474, MONDO:0014444, OMIM 615993.

Submission:

Labcorp Genetics (formerly Invitae), Labcorp
Classification: Pathogenic for Bardet-Biedl syndrome 16; Senior-Loken syndrome 7. Last evaluated: 2025-09-22. Review status: criteria provided, single submitter. Criteria: Invitae Variant Classification Sherloc (09022015). Collection method: clinical testing. Allele origin: germline.
Comment: This sequence change creates a premature translational stop signal (p.Asn58Lysfs*2) in the SDCCAG8 gene. It is expected to result in an absent or disrupted protein product. Loss-of-function variants in SDCCAG8 are known to be pathogenic (PMID: 20835237, 22190896). This variant is not present in population databases (gnomAD no frequency). This variant has not been reported in the literature in individuals affected with SDCCAG8-related conditions. For these reasons, this variant has been classified as Pathogenic.

Literature cited by the submitters: PubMed 20835237; PubMed 22190896.